The following is an entry in ClinVar:

NM_007294.4(BRCA1):c.88T>C (p.Leu30=)

Gene: BRCA1 (BRCA1 DNA repair associated; minus strand). Cytogenetic location: 17q21.31.
Variant type: single nucleotide variant.
Coding change: c.88T>C on transcript NM_007294.4 (MANE Select); coding-DNA position 88, T replaced by C.
Protein change: p.Leu30=; no amino-acid change (leucine 30 retained).
Molecular consequence: synonymous variant. On other transcripts: 5 prime UTR variant (132), intron variant (41).
Genome position (GRCh38, 1-based): chr17:43,115,772, A>G on the plus strand (T>C on the coding strand, the complement: BRCA1 is on the minus strand). VCF-style: chr17-43115772-A-G. GRCh37 (hg19) VCF-style: chr17-41267789-A-G.
Other names: c.-101T>C (NM_001407571.1, NM_001407853.1, NM_001407879.1 and 52 more transcripts); c.88T>C, p.Leu30= (NM_001407581.1, NM_001407582.1, NM_001407583.1 and 192 more transcripts); c.-170T>C (NM_001407694.1, NM_001407696.1, NM_001407724.1 and 13 more transcripts); c.-174T>C (NM_001407695.1, NM_001408465.1); c.-54T>C (NM_001407697.1, NM_001407725.1, NM_001407728.1 and 47 more transcripts); c.-50T>C (NM_001407841.1); c.-217T>C (NM_001407889.1, NM_001407900.1, NM_001408492.1); c.-216T>C (NM_001407960.1, NM_001407962.1, NM_001408510.1 and 1 more transcripts); and 10 more.
Identifiers: ClinVar variation 865100 (VCV000865100.12), dbSNP rs2055260993, ClinGen allele CA500130085.
Genomic context (GRCh38, chr17:43,115,772, plus strand): 5'-ACATTCAAACTTACTTGCAAAATATGTGGTCACACTTTGTGGAGACAGGTTCCTTGATCA[A>G]CTCCAGACTAGCAGGGTAGGGGGGGAGAAAAAGAAAATAAATGAGGCTCAATAATTTATT-3'
Protein context (NP_009225.1, residues 20-40): KILECPICLE[Leu30=]IKEPVSTKCD

ClinVar aggregate classification (germline): Likely benign (1 of 4 stars; one submission).

Conditions:
Hereditary breast ovarian cancer syndrome. Also called: Hereditary breast and/or ovarian cancer syndrome; BRCA1- and BRCA2-Associated Hereditary Breast and Ovarian Cancer; Hereditary breast and ovarian cancer syndrome; Hereditary breast and ovarian cancer; Hereditary breast and ovarian cancer syndrome (HBOC); Breast and ovarian cancer. Identifiers: Orphanet 145, MedGen C0677776, MeSH D061325, MONDO:0003582. Disease mechanism: loss of function.

Submissions (2):

Labcorp Genetics (formerly Invitae), Labcorp
Classification: Likely benign for Hereditary breast ovarian cancer syndrome. Last evaluated: 2023-01-17. Review status: criteria provided, single submitter. Criteria: Invitae Variant Classification Sherloc (09022015). Collection method: clinical testing. Allele origin: germline.

Brotman Baty Institute, University of Washington
No classification provided (evidence only). Condition: Breast-ovarian cancer, familial 1. Review status: no classification provided. Collection method: in vitro. Allele origin: not applicable. Functional consequence: functionally_normal. Not counted in ClinVar's aggregate classification.
ClinVar note: "not provided" was previously submitted as the classification for the variant. However, the classification appeared to be based only on an observation of functional data so it was converted to no classification on 2025-07-30.